The following is an entry in ClinVar:

NM_004371.4(COPA):c.3394G>A (p.Gly1132Arg)

Gene: COPA (coat protein complex I subunit alpha; minus strand). Cytogenetic location: 1q23.2.
Variant type: single nucleotide variant.
Coding change: c.3394G>A on transcript NM_004371.4 (MANE Select); coding-DNA position 3394, G replaced by A.
Protein change: p.Gly1132Arg; replaces glycine 1132 with arginine.
Molecular consequence: missense variant.
Genome position (GRCh38, 1-based): chr1:160,291,361, C>T on the plus strand (G>A on the coding strand, the complement: COPA is on the minus strand). VCF-style: chr1-160291361-C-T. GRCh37 (hg19) VCF-style: chr1-160261151-C-T.
Other names: c.3421G>A, p.Gly1141Arg (NM_001098398.2); short protein forms G1141R, G1132R.
Identifiers: ClinVar variation 2850948 (VCV002850948.3), dbSNP rs1384001854, ClinGen allele CA343270720.

ClinVar aggregate classification (germline): Uncertain significance (1 of 4 stars; one submission).

Conditions:
Autoimmune interstitial lung disease-arthritis syndrome. Also called: Autoinflammation and autoimmunity, systemic, with immune dysregulation. Identifiers: Orphanet 444092, MedGen C5975714, MONDO:0014629.

Allele frequency attached by ClinVar (database versions not stated): TOPMed below 0.00001.
gnomAD v4.1: 1 of 1,613,822 alleles (0.000062%); highest among the groups gnomAD compares: Non-Finnish European, 0.000085%; no homozygotes.

Submission:

Labcorp Genetics (formerly Invitae), Labcorp
Classification: Uncertain significance for Autoimmune interstitial lung disease-arthritis syndrome. Last evaluated: 2023-03-30. Review status: criteria provided, single submitter. Criteria: Invitae Variant Classification Sherloc (09022015). Collection method: clinical testing. Allele origin: germline.
Comment: Advanced modeling of protein sequence and biophysical properties (such as structural, functional, and spatial information, amino acid conservation, physicochemical variation, residue mobility, and thermodynamic stability) performed at Invitae indicates that this missense variant is expected to disrupt COPA protein function. In summary, the available evidence is currently insufficient to determine the role of this variant in disease. Therefore, it has been classified as a Variant of Uncertain Significance. This variant is not present in population databases (gnomAD no frequency). This variant has not been reported in the literature in individuals affected with COPA-related conditions. This sequence change replaces glycine, which is neutral and non-polar, with arginine, which is basic and polar, at codon 1132 of the COPA protein (p.Gly1132Arg).